The following is an entry in ClinVar:

ClinVar aggregate classification (germline): Likely benign. Review status: criteria provided, multiple submitters, no conflicts (2 of 4 stars). 2 submissions from 2 submitters: Likely benign (2). Last evaluated 2026-07-01.

Conditions:
Epileptic encephalopathy. Identifiers: MedGen C0543888, HP:0200134.

Allele frequency attached by ClinVar (database versions not stated): gnomAD 0.00003; TOPMed 0.00004; 1000 Genomes Project 0.00020; 1000 Genomes Project 30x 0.00031.
gnomAD v4.1: 22 of 1,447,252 alleles (0.0015%); highest among the groups gnomAD compares: South Asian, 0.0064%; no homozygotes.

Submissions (2):

CeGaT Center for Human Genetics Tuebingen
Classification: Likely benign. Last evaluated: 2026-07-01. Review status: criteria provided, single submitter. Criteria: CeGaT Center For Human Genetics Tuebingen Variant Classification Criteria Version 2. Collection method: clinical testing. Allele origin: germline. Affected: yes. Observed: 1 variant allele.
Comment: GABBR2: PP3, BS2

Labcorp Genetics (formerly Invitae), Labcorp
Classification: Likely benign for Epileptic encephalopathy. Last evaluated: 2026-01-12. Review status: criteria provided, single submitter. Criteria: Invitae Variant Classification Sherloc (09022015). Collection method: clinical testing. Allele origin: germline.

NM_005458.8(GABBR2):c.2776C>T (p.Arg926Cys)

Gene: GABBR2 (gamma-aminobutyric acid type B receptor subunit 2; minus strand). Cytogenetic location: 9q22.33.
Variant type: single nucleotide variant.
Coding change: c.2776C>T on transcript NM_005458.8 (MANE Select); coding-DNA position 2776, C replaced by T.
Protein change: p.Arg926Cys; replaces arginine 926 with cysteine.
Molecular consequence: missense variant.
Genome position (GRCh38, 1-based): chr9:98,290,634, G>A on the plus strand (C>T on the coding strand, the complement: GABBR2 is on the minus strand). VCF-style: chr9-98290634-G-A. GRCh37 (hg19) VCF-style: chr9-101052916-G-A.
Other names: short protein forms R926C.
Identifiers: ClinVar variation 578900 (VCV000578900.13), dbSNP rs528154834, ClinGen allele CA5152366.